The following is an entry in ClinVar:

ClinVar aggregate classification (germline): Uncertain significance (1 of 4 stars; one submission).

Conditions:
Atrial fibrillation, familial, 11 (ATFB11). Identifiers: MedGen C3279693, MONDO:0013544, OMIM 614049.
Atrial standstill 1 (ATRST1). Also called: ATRIAL CARDIOMYOPATHY WITH HEART BLOCK; CARDIOMYOPATHY, FAMILIAL, WITH CONDUCTION DISTURBANCE; Atrial standstill, digenic (GJA5/SCN5A). Identifiers: Orphanet 1344, MedGen C4551959, MONDO:0007171, OMIM 108770.

Submission:

Labcorp Genetics (formerly Invitae), Labcorp
Classification: Uncertain significance for Atrial fibrillation, familial, 11; Atrial standstill 1. Last evaluated: 2023-10-13. Review status: criteria provided, single submitter. Criteria: Invitae Variant Classification Sherloc (09022015). Collection method: clinical testing. Allele origin: germline.
Comment: This sequence change replaces proline, which is neutral and non-polar, with leucine, which is neutral and non-polar, at codon 275 of the GJA5 protein (p.Pro275Leu). This variant is not present in population databases (gnomAD no frequency). This variant has not been reported in the literature in individuals affected with GJA5-related conditions. ClinVar contains an entry for this variant (Variation ID: 1714950). Advanced modeling of protein sequence and biophysical properties (such as structural, functional, and spatial information, amino acid conservation, physicochemical variation, residue mobility, and thermodynamic stability) performed at Invitae indicates that this missense variant is not expected to disrupt GJA5 protein function. In summary, the available evidence is currently insufficient to determine the role of this variant in disease. Therefore, it has been classified as a Variant of Uncertain Significance.

NM_181703.4(GJA5):c.824C>T (p.Pro275Leu)

Genes: GJA5 (gap junction protein alpha 5; minus strand), LOC122128420 (Sharpr-MPRA regulatory region 3144; plus strand). Cytogenetic location: 1q21.2.
Variant type: single nucleotide variant.
Coding change: c.824C>T on transcript NM_181703.4 (MANE Select); coding-DNA position 824, C replaced by T.
Protein change: p.Pro275Leu; replaces proline 275 with leucine.
Molecular consequence: missense variant.
Genome position (GRCh38, 1-based): chr1:147,758,415, G>A on the plus strand (C>T on the coding strand, the complement: GJA5 is on the minus strand). VCF-style: chr1-147758415-G-A. GRCh37 (hg19) VCF-style: chr1-147230523-G-A.
Other names: c.824C>T, p.Pro275Leu (NM_005266.7); short protein forms P275L.
Identifiers: ClinVar variation 1714950 (VCV001714950.5), dbSNP rs1386910689, ClinGen allele CA342394457.
Genomic context (GRCh38, chr1:147,758,415, plus strand): 5'-TTGTCTGTGTTTTGTTGGGAGGCCATATTATTGCTGAAGGGATTGAAGAATTTTCCCCCA[G>A]GGCCATTCTCCAGGCACTGATTAAAGTCGGGGGGTGGTGTGCAGCTCTGGACTATGCCCA-3'
Protein context (NP_859054.1, residues 265-285): PDFNQCLENG[Pro275Leu]GGKFFNPFSN